The following is an entry in ClinVar:

NM_001365276.2(TNXB):c.11973C>G (p.Leu3991=)

Genes: TNXB (tenascin XB; minus strand), LOC106780803 (tenascin XB recombination region; plus strand). Cytogenetic location: 6p21.33.
Variant type: single nucleotide variant.
Coding change: c.11973C>G on transcript NM_001365276.2 (MANE Select); coding-DNA position 11973, C replaced by G.
Protein change: p.Leu3991=; no amino-acid change (leucine 3991 retained).
Molecular consequence: synonymous variant.
Genome position (GRCh38, 1-based): chr6:32,042,784, G>C on the plus strand (C>G on the coding strand, the complement: TNXB is on the minus strand). VCF-style: chr6-32042784-G-C. GRCh37 (hg19) VCF-style: chr6-32010561-G-C.
Other names: p.Leu3989=; c.12714C>G, p.Leu4238= (NM_001428335.1); c.11967C>G, p.Leu3989= (NM_019105.8); c.1260C>G, p.Leu420= (NM_032470.4).
Identifiers: ClinVar variation 4684934 (VCV004684934.2).
Genomic context (GRCh38, chr6:32,042,784, plus strand): 5'-CGGCAGGAGGCTCTGGCCCCACATGGCCTGGAGCCGTGCATTGTAGGAGGTGGAGGGAAA[G>C]AGGCCAAGGAGCTGGTGAGATGTGATCCCTCCTGGGAGCAGGATCTCCTGTGGGACAGAC-3'
Protein context (NP_001352205.1, residues 3981-4001): GGITSHQLLG[Leu3991=]FPSTSYNARL

ClinVar aggregate classification (germline): Likely benign. Review status: criteria provided, multiple submitters, no conflicts (2 of 4 stars). 2 submissions from 2 submitters: Likely benign (2). Last evaluated 2025-07-15.

Submissions (2):

Mayo Clinic Laboratories, Mayo Clinic
Classification: Likely benign. Last evaluated: 2025-07-15. Review status: criteria provided, single submitter. Criteria: ACMG Guidelines, 2015. Collection method: clinical testing. Allele origin: germline. Observed: 2 variant alleles.
Comment: BP4, BP7

Blueprint Genetics
Classification: Likely benign. Last evaluated: 2024-11-26. Review status: criteria provided, single submitter. Criteria: ACMG Guidelines, 2015. Collection method: clinical testing. Allele origin: germline.